The following is an entry in ClinVar:

NM_000112.4(SLC26A2):c.*2617C>T

Gene: SLC26A2 (solute carrier family 26 member 2; plus strand). Cytogenetic location: 5q32.
Variant type: single nucleotide variant.
Coding change: c.*2617C>T on transcript NM_000112.4 (MANE Select); 2617 bases downstream of the stop codon, C replaced by T.
Molecular consequence: 3 prime UTR variant.
Genome position (GRCh38, 1-based): chr5:149,984,430, C>T. VCF-style: chr5-149984430-C-T. GRCh37 (hg19) VCF-style: chr5-149363993-C-T.
Identifiers: ClinVar variation 352066 (VCV000352066.6), dbSNP rs188922059, ClinGen allele CA10619687.

ClinVar aggregate classification (germline): Benign/Likely benign. Review status: criteria provided, multiple submitters, no conflicts (2 of 4 stars). 6 submissions from 2 submitters: Benign (3); Likely benign (3). Last evaluated 2021-05-19.

Conditions:
Sulfate transporter-related osteochondrodysplasia. Also called: DTDST-related dysplasias. Identifiers: MedGen CN120497. Disease mechanism: loss of function.
Achondrogenesis, type IB (ACG1B). Also called: Achondrogenesis Type 1B. Identifiers: Orphanet 932, Orphanet 93298, MedGen C0265274, MONDO:0010966, OMIM 600972.
Atelosteogenesis type II (AO2). Also called: NEONATAL OSSEOUS DYSPLASIA I; Neonatal osseous dysplasia 1; SLC26A2-Related Atelosteogenesis. Identifiers: Orphanet 56304, MedGen C1850554, MONDO:0009727, OMIM 256050.
Multiple epiphyseal dysplasia type 4 (EDM4). Also called: MULTIPLE EPIPHYSEAL DYSPLASIA WITH BILAYERED PATELLAE; MULTIPLE EPIPHYSEAL DYSPLASIA WITH CLUBFOOT; MULTIPLE EPIPHYSEAL DYSPLASIA, AUTOSOMAL RECESSIVE; SLC26A2-Related Multiple Epiphyseal Dysplasia; Multiple Epiphyseal Dysplasia, Recessive. Identifiers: Orphanet 93307, MedGen C1847593, MONDO:0009189, OMIM 226900.
Diastrophic dysplasia (DTD). Also called: Diastrophic dwarfism. Identifiers: Orphanet 628, MedGen C0220726, MONDO:0009107, OMIM 222600.

Allele frequency attached by ClinVar (database versions not stated): 1000 Genomes Project 0.01078; 1000 Genomes Project 30x 0.01156; TOPMed 0.01493; gnomAD 0.01558.

Submissions (6):

GeneDx
Classification: Likely benign. Last evaluated: 2021-05-19. Review status: criteria provided, single submitter. Criteria: GeneDx Variant Classification Process June 2021. Collection method: clinical testing. Allele origin: germline. Affected: yes.

Illumina Laboratory Services, Illumina
Classification: Likely benign for Multiple epiphyseal dysplasia type 4. Last evaluated: 2018-01-13. Review status: criteria provided, single submitter. Criteria: ICSL Variant Classification Criteria 13 December 2019. Collection method: clinical testing. Allele origin: germline.
Comment: This variant was observed in the ICSL laboratory as part of a predisposition screen in an ostensibly healthy population. It had not been previously curated by ICSL or reported in the Human Gene Mutation Database (HGMD: prior to June 1st, 2018), and was therefore a candidate for classification through an automated scoring system. Utilizing variant allele frequency, disease prevalence and penetrance estimates, and inheritance mode, an automated score was calculated to assess if this variant is too frequent to cause the disease. Based on the score and internal cut-off values, a variant classified as likely benign is not then subjected to further curation. The score for this variant resulted in a classification of likely benign for this disease.

Illumina Laboratory Services, Illumina
Classification: Benign for Achondrogenesis, type IB. Last evaluated: 2018-01-13. Review status: criteria provided, single submitter. Criteria: ICSL Variant Classification Criteria 13 December 2019. Collection method: clinical testing. Allele origin: germline.
Comment: This variant was observed in the ICSL laboratory as part of a predisposition screen in an ostensibly healthy population. It had not been previously curated by ICSL or reported in the Human Gene Mutation Database (HGMD: prior to June 1st, 2018), and was therefore a candidate for classification through an automated scoring system. Utilizing variant allele frequency, disease prevalence and penetrance estimates, and inheritance mode, an automated score was calculated to assess if this variant is too frequent to cause the disease. Based on the score and internal cut-off values, a variant classified as benign is not then subjected to further curation. The score for this variant resulted in a classification of benign for this disease.

Illumina Laboratory Services, Illumina
Classification: Benign for Atelosteogenesis type II. Last evaluated: 2018-01-13. Review status: criteria provided, single submitter. Criteria: ICSL Variant Classification Criteria 13 December 2019. Collection method: clinical testing. Allele origin: germline.
Comment: the same text as in the submission from Illumina Laboratory Services, Illumina above.

Illumina Laboratory Services, Illumina
Classification: Benign for Diastrophic dysplasia. Last evaluated: 2018-01-13. Review status: criteria provided, single submitter. Criteria: ICSL Variant Classification Criteria 13 December 2019. Collection method: clinical testing. Allele origin: germline.
Comment: the same text as in the submission from Illumina Laboratory Services, Illumina above.

Illumina Laboratory Services, Illumina
Classification: Likely benign for Osteochondrodysplasia. Last evaluated: 2018-01-13. Review status: criteria provided, single submitter. Criteria: ICSL Variant Classification Criteria 13 December 2019. Collection method: clinical testing. Allele origin: germline.
Comment: the same text as in the submission from Illumina Laboratory Services, Illumina above.